The following is an entry in ClinVar:

ClinVar aggregate classification (germline): Uncertain significance (1 of 4 stars; one submission).

Allele frequency attached by ClinVar (database versions not stated): gnomAD exomes 0.00004 and 0.00010; ExAC 0.00014; gnomAD 0.00014 and 0.00017; TOPMed 0.00014; ESP Exome Variant Server 0.00017; 1000 Genomes Project 30x 0.00078; 1000 Genomes Project 0.00100.
gnomAD v4.1: 85 of 1,613,402 alleles (0.0053%); highest among the groups gnomAD compares: African/African-American, 0.064%; 1 homozygote.

Submission:

Labcorp Genetics (formerly Invitae), Labcorp
Classification: Uncertain significance. Last evaluated: 2025-10-23. Review status: criteria provided, single submitter. Criteria: Invitae Variant Classification Sherloc (09022015). Collection method: clinical testing. Allele origin: germline.
Comment: This sequence change replaces alanine, which is neutral and non-polar, with threonine, which is neutral and polar, at codon 276 of the ZCCHC8 protein (p.Ala276Thr). This variant is present in population databases (rs148867026, gnomAD 0.06%), including at least one homozygous and/or hemizygous individual. This missense change has been observed in individual(s) with ZCCHC8-related conditions (PMID: 31130284). ClinVar contains an entry for this variant (Variation ID: 1034537). Invitae Evidence Modeling of protein sequence and biophysical properties (such as structural, functional, and spatial information, amino acid conservation, physicochemical variation, residue mobility, and thermodynamic stability) has been performed for this missense variant. However, the output from this modeling did not meet the statistical confidence thresholds required to predict the impact of this variant on ZCCHC8 protein function. In summary, the available evidence is currently insufficient to determine the role of this variant in disease. Therefore, it has been classified as a Variant of Uncertain Significance.

Literature cited by the submitters: PubMed 31130284.

NM_017612.5(ZCCHC8):c.826G>A (p.Ala276Thr)

Gene: ZCCHC8 (zinc finger CCHC-type containing 8; minus strand). Cytogenetic location: 12q24.31.
Variant type: single nucleotide variant.
Coding change: c.826G>A on transcript NM_017612.5 (MANE Select); coding-DNA position 826, G replaced by A.
Protein change: p.Ala276Thr; replaces alanine 276 with threonine.
Molecular consequence: missense variant.
Genome position (GRCh38, 1-based): chr12:122,481,994, C>T on the plus strand (G>A on the coding strand, the complement: ZCCHC8 is on the minus strand). VCF-style: chr12-122481994-C-T. GRCh37 (hg19) VCF-style: chr12-122966541-C-T.
Other names: c.595G>A, p.Ala199Thr (NM_001350935.2); c.529G>A, p.Ala177Thr (NM_001350936.2); c.112G>A, p.Ala38Thr (NM_001350937.2, NM_001350938.2); short protein forms A38T, A177T, A199T, A276T.
Identifiers: ClinVar variation 1034537 (VCV001034537.7), dbSNP rs148867026, ClinGen allele CA6846356.